The following is an entry in ClinVar:

NM_000212.3(ITGB3):c.2227CTC[1] (p.Leu744del)

Genes: EFCAB13-DT (EFCAB13 divergent transcript; minus strand), ITGB3 (integrin subunit beta 3; plus strand). Cytogenetic location: 17q21.32.
Variant type: Microsatellite.
Coding change: c.2227CTC[1] on transcript NM_000212.3 (MANE Select); one copy of the 3-base unit CTC starting at c.2227; the reference has two copies in a row; one copy, 3 bases deleted.
Protein change: p.Leu744del; deletes leucine 744.
Molecular consequence: inframe deletion.
Genome position (GRCh38, 1-based): chr17:47,307,566-47,307,568, CTC deleted; deleting any 3 consecutive bases within chr17:47,307,563-47,307,568 gives the same sequence; the position shown is the placement nearest the transcript's 3' end. VCF-style (leftmost placement, unchanged base first): chr17-47307562-ACTC-A. GRCh37 (hg19) VCF-style: chr17-45384928-ACTC-A.
Other names: c.2230_2232delCTC (NM_000212.2); short protein forms L744del.
Identifiers: ClinVar variation 627279 (VCV000627279.8), dbSNP rs1598702827, ClinGen allele CA915940812.
Genomic context (GRCh38, chr17:47,307,562, plus strand): 5'-CCTGCTCTCAGTGATGGGGGCCATTCTGCTCATTGGCCTTGCCGCCCTGCTCATCTGGAA[ACTC>A]CTCATCACCATCCACGACCGAAAAGAATTCGCTAAATTTGAGGAAGAACGCGCCAGAGCA-3'

ClinVar aggregate classification (germline): Conflicting classifications of pathogenicity. Review status: criteria provided, conflicting classifications (1 of 4 stars). 4 submissions from 4 submitters: Likely pathogenic (3); Uncertain significance (1). Last evaluated 2026-06-10.

Conditions:
ITGB3-related disorder. Also called: ITGB3-related condition.
Thrombocytopenia. Identifiers: MedGen C0040034, MeSH D013921, MONDO:0002049, HP:0001873.
Abnormal platelet aggregation. Identifiers: MedGen C0541767, HP:0030402.
ITGB3-related disorders.

Submissions (4):

PreventionGenetics, part of Exact Sciences
Classification: Likely pathogenic for ITGB3-related condition. Last evaluated: 2026-06-10. Review status: criteria provided, single submitter. Criteria: ACMG Guidelines, 2015. Collection method: clinical testing. Allele origin: germline.
Comment: The ITGB3 c.2230_2232delCTC variant is predicted to result in an in-frame deletion (p.Leu744del). It was also reported in an individual with a disorder of platelet function (Downes et al 2019. PubMed ID: 31064749). Functional data from Nurden et al. suggest this variant affects ITGB3 protein (αIIbβ3) function. This variant has not been reported in a large population database (gnomAD), indicating it is rare. A substitution of amino acid residue p.Leu744 defined as p.Leu744Pro (aka p.Leu718Pro) has been reported in patients with dominant, thrombasthenia-like phenotype or with thrombocytopenia with anisocytosis (Jayo et al. 2010. PubMed ID: 20081061; Kobayashi et al. 2013. PubMed ID: 23253071) suggesting that substitution of amino acid residue p.Leu744 is not tolerated. Together, these data suggest variants affecting amino acid residue p.Leu744 are associated with disease. This variant is classified as likely pathogenic.

Labcorp Genetics (formerly Invitae), Labcorp
Classification: Uncertain significance. Last evaluated: 2022-08-24. Review status: criteria provided, single submitter. Criteria: Invitae Variant Classification Sherloc (09022015). Collection method: clinical testing. Allele origin: germline.
Comment: In summary, the available evidence is currently insufficient to determine the role of this variant in disease. Therefore, it has been classified as a Variant of Uncertain Significance. ClinVar contains an entry for this variant (Variation ID: 627279). This variant is also known as c.2230_2232delCTC (Leu718del). This variant has been observed in individual(s) with macrothrombocytopenia (PMID: 29296966). This variant is not present in population databases (gnomAD no frequency). This variant, c.2230_2232del, results in the deletion of 1 amino acid(s) of the ITGB3 protein (p.Leu744del), but otherwise preserves the integrity of the reading frame.

Blueprint Genetics
Classification: Likely pathogenic for ITGB3-related disorders. Last evaluated: 2021-05-31. Review status: criteria provided, single submitter. Criteria: ACMG Guidelines, 2015. Collection method: clinical testing. Allele origin: germline. Affected: yes. Observed: 1 variant allele.

NIHR Bioresource Rare Diseases, University of Cambridge
Classification: Likely pathogenic for Thrombocytopenia; Abnormal platelet aggregation. Last evaluated: 2019-02-01. Review status: criteria provided, single submitter. Criteria: ACMG Guidelines, 2015. Collection method: research. Allele origin: unknown. Affected: yes. Observed: 1 heterozygote. Study: ThromboGenomics.

Literature cited by the submitters: PubMed 29296966 (cited by Labcorp Genetics (formerly Invitae), Labcorp); PubMed 31064749 (cited by NIHR Bioresource Rare Diseases, University of Cambridge).